The following is an entry in ClinVar:

NM_017950.4(CCDC40):c.2832+297G>T

Gene: CCDC40 (coiled-coil domain 40 molecular ruler complex subunit; plus strand). Cytogenetic location: 17q25.3.
Variant type: single nucleotide variant.
Coding change: c.2832+297G>T on transcript NM_017950.4 (MANE Select); 297 bases into the intron after coding-DNA position 2832, G replaced by T.
Molecular consequence: intron variant. On other transcripts: nonsense (1).
Genome position (GRCh38, 1-based): chr17:80,090,181, G>T. VCF-style: chr17-80090181-G-T. GRCh37 (hg19) VCF-style: chr17-78063980-G-T.
Other names: c.2875G>T, p.Glu959Ter (NM_001243342.2); short protein forms E959*.
Identifiers: ClinVar variation 931708 (VCV000931708.3), dbSNP rs1187849857, ClinGen allele CA401351584.

ClinVar aggregate classification (germline): Likely pathogenic (1 of 4 stars; one submission).

Conditions:
Primary ciliary dyskinesia 15. Also called: CILIARY DYSKINESIA, PRIMARY, 15, WITH OR WITHOUT SITUS INVERSUS. Identifiers: Orphanet 244, MedGen C3151137, MONDO:0013435, OMIM 613808.

Submission:

Centre for Mendelian Genomics, University Medical Centre Ljubljana
Classification: Likely pathogenic for Primary ciliary dyskinesia 15. Last evaluated: 2019-10-02. Review status: criteria provided, single submitter. Criteria: ACMG Guidelines, 2015. Collection method: clinical testing. Allele origin: unknown. Affected: yes.
Comment: This variant was classified as: Likely pathogenic. The following ACMG criteria were applied in classifying this variant: PVS1,PM2.